The following is an entry in ClinVar:

NM_144596.4(TTC8):c.1228del (p.Gly409_Ile410insTer)

Gene: TTC8 (tetratricopeptide repeat domain 8; plus strand). Cytogenetic location: 14q31.3.
Variant type: Deletion.
Coding change: c.1228del on transcript NM_144596.4 (MANE Select); coding-DNA position 1228, one base deleted (A; older notation c.1228delA).
Protein change: p.Gly409_Ile410insTer.
Molecular consequence: nonsense. On other transcripts: non-coding transcript variant (1).
Genome position (GRCh38, 1-based): chr14:88,872,333, A deleted; the last of 2 consecutive A bases (chr14:88,872,332-88,872,333); deleting either gives the same sequence. VCF-style (leftmost placement, unchanged base first): chr14-88872331-GA-G. GRCh37 (hg19) VCF-style: chr14-89338675-GA-G.
Other names: c.1276del, p.Gly425_Ile426insTer (NM_001288781.1); c.634del, p.Gly211_Ile212insTer (NM_001288782.1); c.511del, p.Gly170_Ile171insTer (NM_001288783.1); c.1198del, p.Gly399_Ile400insTer (NM_001366535.2, NM_198309.3); c.1108del, p.Gly369_Ile370insTer (NM_001366536.2, NM_198310.3).
Identifiers: ClinVar variation 2227695 (VCV002227695.2), dbSNP rs2546237065, ClinGen allele CA2580088901.

ClinVar aggregate classification (germline): Pathogenic (1 of 4 stars; one submission).

Conditions:
Inborn genetic diseases. Identifiers: MedGen C0950123, MeSH D030342.

Submission:

Ambry Genetics
Classification: Pathogenic for Inborn genetic diseases. Last evaluated: 2020-10-22. Review status: criteria provided, single submitter. Criteria: Ambry Variant Classification Scheme 2023. Collection method: clinical testing. Allele origin: germline.
Comment: The c.1198delA (p.I400*) alteration, located in exon 12 (coding exon 12) of the TTC8 gene, consists of a deletion of one nucleotide at position 1198, causing a translational frameshift with a predicted alternate stop codon. This alteration is expected to result in loss of function by premature protein truncation or nonsense-mediated mRNA decay. Based on the available evidence, this alteration is classified as pathogenic.